The following is an entry in ClinVar:

NM_002449.5(MSX2):c.103G>C (p.Ala35Pro)

Gene: MSX2 (msh homeobox 2; plus strand). Cytogenetic location: 5q35.2.
Variant type: single nucleotide variant.
Coding change: c.103G>C on transcript NM_002449.5 (MANE Select); coding-DNA position 103, G replaced by C.
Protein change: p.Ala35Pro; replaces alanine 35 with proline.
Molecular consequence: missense variant.
Genome position (GRCh38, 1-based): chr5:174,724,762, G>C. VCF-style: chr5-174724762-G-C. GRCh37 (hg19) VCF-style: chr5-174151765-G-C.
Other names: c.103G>C, p.Ala35Pro (NM_001363626.2); c.103G>C (NM_002449.4); short protein forms A35P.
Identifiers: ClinVar variation 1678262 (VCV001678262.3), dbSNP rs1210698589, ClinGen allele CA362229119.

ClinVar aggregate classification (germline): Uncertain significance. Review status: criteria provided, multiple submitters, no conflicts (2 of 4 stars). 3 submissions from 3 submitters: Uncertain significance (2). 1 of the submissions does not count toward it. Last evaluated 2025-04-11.

Conditions:
MSX2-related disorder. Also called: MSX2-related condition.
Inborn genetic diseases. Identifiers: MedGen C0950123, MeSH D030342.

Allele frequency attached by ClinVar (database versions not stated): TOPMed below 0.00001; gnomAD exomes 0.00001 and below 0.00001.

Submissions (3):

Ambry Genetics
Classification: Uncertain significance for Inborn genetic diseases. Last evaluated: 2025-04-11. Review status: criteria provided, single submitter. Criteria: Ambry Variant Classification Scheme 2023. Collection method: clinical testing. Allele origin: germline.

AiLife Diagnostics
Classification: Uncertain significance. Last evaluated: 2020-07-08. Review status: criteria provided, single submitter. Criteria: ACMG Guidelines, 2015. Collection method: clinical testing. Allele origin: germline. Affected: yes. Observed: 1 variant allele.

PreventionGenetics, part of Exact Sciences
Classification: Uncertain significance for MSX2-related condition. Last evaluated: 2024-06-12. Review status: no assertion criteria provided. Collection method: clinical testing. Allele origin: germline. Not counted in ClinVar's aggregate classification.
Comment: The MSX2 c.103G>C variant is predicted to result in the amino acid substitution p.Ala35Pro. To our knowledge, this variant has not been reported in the literature. This variant has been reported once, as a heterozygous allele, in gnomAD. At this time, the clinical significance of this variant is uncertain due to the absence of conclusive functional and genetic evidence.